The following is an entry in ClinVar:

NM_001077415.3(CRELD1):c.1194G>A (p.Ala398=)

Gene: CRELD1 (CRELD disulfide isomerase 1; plus strand). Cytogenetic location: 3p25.3.
Variant type: single nucleotide variant.
Coding change: c.1194G>A on transcript NM_001077415.3 (MANE Select); coding-DNA position 1194, G replaced by A.
Protein change: p.Ala398=; no amino-acid change (alanine 398 retained).
Molecular consequence: synonymous variant. On other transcripts: 3 prime UTR variant (3), non-coding transcript variant (3).
Genome position (GRCh38, 1-based): chr3:9,944,510, G>A. VCF-style: chr3-9944510-G-A. GRCh37 (hg19) VCF-style: chr3-9986194-G-A.
Other names: c.*119G>A (NM_001031717.4, NM_001374317.1, NM_001374318.1); c.1194G>A, p.Ala398= (NM_001374316.1, NM_015513.6); c.1110G>A, p.Ala370= (NM_001374319.1, NM_001374320.1).
Identifiers: ClinVar variation 1297694 (VCV001297694.28), dbSNP rs148159930, ClinGen allele CA2248013.

ClinVar aggregate classification (germline): Likely benign. Review status: criteria provided, multiple submitters, no conflicts (2 of 4 stars). 4 submissions from 4 submitters: Likely benign (2). 2 of the submissions do not count toward it. Last evaluated 2026-03-01.

Allele frequency attached by ClinVar (database versions not stated): ExAC 0.00079; ESP Exome Variant Server 0.00100; 1000 Genomes Project 0.00020; 1000 Genomes Project 30x 0.00031; gnomAD exomes 0.00065; gnomAD 0.00066 and 0.00067; TOPMed 0.00066.
gnomAD v4.1: 1,475 of 1,612,580 alleles (0.091%); highest among the groups gnomAD compares: Non-Finnish European, 0.12%; 1 homozygote.

Submissions (4):

CeGaT Center for Human Genetics Tuebingen
Classification: Likely benign. Last evaluated: 2026-03-01. Review status: criteria provided, single submitter. Criteria: CeGaT Center For Human Genetics Tuebingen Variant Classification Criteria Version 2. Collection method: clinical testing. Allele origin: germline. Affected: yes. Observed: 4 variant alleles.
Comment: CRELD1: BP4, BP7

Blueprint Genetics
Classification: Likely benign. Last evaluated: 2024-10-29. Review status: criteria provided, single submitter. Criteria: ACMG Guidelines, 2015. Collection method: clinical testing. Allele origin: germline.

Clinical Genetics DNA and cytogenetics Diagnostics Lab, Erasmus MC, Erasmus Medical Center
Classification: Likely benign. Review status: no assertion criteria provided. Collection method: clinical testing. Allele origin: germline. Affected: yes. Study: VKGL Data-share Consensus. Not counted in ClinVar's aggregate classification.

Joint Genome Diagnostic Labs from Nijmegen and Maastricht, Radboudumc and MUMC+
Classification: Benign. Review status: no assertion criteria provided. Collection method: clinical testing. Allele origin: germline. Affected: yes. Study: VKGL Data-share Consensus. Not counted in ClinVar's aggregate classification.